The following is an entry in ClinVar:

NM_016589.4(TIMMDC1):c.578T>C (p.Ile193Thr)

Gene: TIMMDC1 (translocase of inner mitochondrial membrane domain containing 1; plus strand). Cytogenetic location: 3q13.33.
Variant type: single nucleotide variant.
Coding change: c.578T>C on transcript NM_016589.4 (MANE Select); coding-DNA position 578, T replaced by C.
Protein change: p.Ile193Thr; replaces isoleucine 193 with threonine.
Molecular consequence: missense variant.
Genome position (GRCh38, 1-based): chr3:119,513,701, T>C. VCF-style: chr3-119513701-T-C. GRCh37 (hg19) VCF-style: chr3-119232548-T-C.
Other names: short protein forms I193T.
Identifiers: ClinVar variation 1030569 (VCV001030569.5), dbSNP rs368184254, ClinGen allele CA2555286.

ClinVar aggregate classification (germline): Uncertain significance. Review status: criteria provided, multiple submitters, no conflicts (2 of 4 stars). 3 submissions from 3 submitters: Uncertain significance (3). Last evaluated 2025-03-26.

Conditions:
Mitochondrial complex I deficiency, nuclear type 1. Also called: NADH-COENZYME Q REDUCTASE DEFICIENCY; MITOCHONDRIAL NADH DEHYDROGENASE COMPONENT OF COMPLEX I, DEFICIENCY OF. Identifiers: MedGen C6022305, MONDO:0100224, OMIM 252010.

Allele frequency attached by ClinVar (database versions not stated): gnomAD exomes 0.00001 and 0.00005; TOPMed 0.00001; gnomAD 0.00003 and 0.00007; ExAC 0.00006; 1000 Genomes Project 30x 0.00031; 1000 Genomes Project 0.00040.
gnomAD v4.1: 34 of 1,608,658 alleles (0.0021%); highest among the groups gnomAD compares: East Asian, 0.032%; no homozygotes.

Submissions (3):

Ambry Genetics
Classification: Uncertain significance. Last evaluated: 2025-03-26. Review status: criteria provided, single submitter. Criteria: Ambry Variant Classification Scheme 2023. Collection method: clinical testing. Allele origin: germline.

Labcorp Genetics (formerly Invitae), Labcorp
Classification: Uncertain significance. Last evaluated: 2022-07-11. Review status: criteria provided, single submitter. Criteria: Invitae Variant Classification Sherloc (09022015). Collection method: clinical testing. Allele origin: germline.
Comment: This sequence change replaces isoleucine, which is neutral and non-polar, with threonine, which is neutral and polar, at codon 193 of the TIMMDC1 protein (p.Ile193Thr). This variant is present in population databases (rs368184254, gnomAD 0.07%). This variant has not been reported in the literature in individuals affected with TIMMDC1-related conditions. ClinVar contains an entry for this variant (Variation ID: 1030569). Algorithms developed to predict the effect of missense changes on protein structure and function are either unavailable or do not agree on the potential impact of this missense change (SIFT: "Deleterious"; PolyPhen-2: "Benign"; Align-GVGD: "Class C0"). In summary, the available evidence is currently insufficient to determine the role of this variant in disease. Therefore, it has been classified as a Variant of Uncertain Significance.

Baylor Genetics
Classification: Uncertain significance for Mitochondrial complex I deficiency, nuclear type 1. Last evaluated: 2019-04-03. Review status: criteria provided, single submitter. Criteria: ACMG Guidelines, 2015. Collection method: clinical testing. Allele origin: maternal. Affected: yes.
Comment: This variant was determined to be of uncertain significance according to ACMG Guidelines, 2015 [PMID:25741868].